The following is an entry in ClinVar:

ClinVar aggregate classification (germline): Likely pathogenic (1 of 4 stars; one submission).

Conditions:
Myopathy, proximal, and ophthalmoplegia (CMYO6). Also called: MYOPATHY WITH CONGENITAL JOINT CONTRACTURES, OPHTHALMOPLEGIA, AND RIMMED VACUOLES; INCLUSION BODY MYOPATHY 3, AUTOSOMAL DOMINANT; CONGENITAL MYOPATHY 6 WITH OPHTHALMOPLEGIA. Identifiers: Orphanet 363677, Orphanet 79091, MedGen C1854106, MONDO:0011577, OMIM 605637.

Submission:

Laboratorio de Genetica e Diagnostico Molecular, Hospital Israelita Albert Einstein
Classification: Likely pathogenic for Myopathy, proximal, and ophthalmoplegia. Last evaluated: 2025-04-24. Review status: criteria provided, single submitter. Criteria: ACMG Guidelines, 2015. Collection method: clinical testing. Allele origin: germline. Affected: yes.
Comment: ACMG classification criteria: PVS1 very strong, PM2 supporting

NM_017534.6:c.4535_4538dup

Gene: MYH2 (myosin heavy chain 2; minus strand).
Variant type: Duplication.
Other names: c.4535_4538dup (NM_017534.6).
Identifiers: ClinVar variation 4056631 (VCV004056631.1).